The following is an entry in ClinVar:

ClinVar aggregate classification (germline): Pathogenic (1 of 4 stars; one submission).

Conditions:
Lamb-Shaffer syndrome. Identifiers: Orphanet 313884, Orphanet 313892, Orphanet 530983, MedGen C4225202, MONDO:0014778, OMIM 616803.

Submission:

Victorian Clinical Genetics Services, Murdoch Childrens Research Institute
Classification: Pathogenic for Lamb-Shaffer syndrome. Last evaluated: 2024-09-19. Review status: criteria provided, single submitter. Criteria: ACMG Guidelines, 2015. Collection method: clinical testing. Allele origin: germline. Inheritance: Autosomal dominant inheritance. Affected: yes.
Comment: Based on the classification scheme VCGS_Germline_v1.3.4, this variant is classified as Pathogenic. Following criteria are met: 0102 - Loss of function is a known mechanism of disease in this gene and is associated with Lamb-Shaffer syndrome (MIM#616803). (I) 0107 - This gene is associated with autosomal dominant disease. (I) 0201 - Variant is predicted to cause nonsense-mediated decay (NMD) and loss of protein (premature termination codon is located at least 54 nucleotides upstream of the final exon-exon junction). (SP) 0251 - This variant is heterozygous. (I) 0301 - Variant is absent from gnomAD (both v2 and v3). (SP) 0701 - Other NMD-predicted variants comparable to the one identified in this case have very strong previous evidence for pathogenicity. Many NMD-predicted variants have previously been reported as pathogenic (DECIPHER, PMID: 36861937). (SP) 0807 - This variant has no previous evidence of pathogenicity. (I) 0905 - No published segregation evidence has been identified for this variant. (I) 1007 - No published functional evidence has been identified for this variant. (SP) Legend: (SP) - Supporting pathogenic, (I) - Information, (SB) - Supporting benign

Literature cited by the submitters: PubMed 36861937.

NM_006940.6(SOX5):c.554_555del (p.Phe185fs)

Gene: SOX5 (SRY-box transcription factor 5; minus strand). Cytogenetic location: 12p12.1.
Variant type: Deletion.
Coding change: c.554_555del on transcript NM_006940.6 (MANE Select); coding-DNA positions 554 to 555, 2 bases deleted (TT; older notation c.554_555delTT).
Protein change: p.Phe185fs; shifts the reading frame from phenylalanine 185.
Molecular consequence: frameshift variant.
Genome position (GRCh38, 1-based): chr12:23,755,651-23,755,652, AA deleted on the plus strand (TT on the coding strand, the reverse complement: SOX5 is on the minus strand); deleting any 2 consecutive bases within chr12:23,755,651-23,755,653 gives the same sequence; the c. name uses the placement nearest the transcript's 3' end. VCF-style (leftmost placement, unchanged base first): chr12-23755650-CAA-C. GRCh37 (hg19) VCF-style: chr12-23908584-CAA-C.
Other names: c.515_516del, p.Phe172fs (NM_001261414.3, NM_152989.5); c.524_525del, p.Phe175fs (NM_001261415.3); c.449_450del, p.Phe150fs (NM_001330785.2); short protein forms F150fs, F172fs, F175fs, F185fs.
Identifiers: ClinVar variation 3377222 (VCV003377222.1).